The following is an entry in ClinVar:

NM_017565.4(FAM20A):c.526C>G (p.Arg176Gly)

Gene: FAM20A (FAM20A golgi associated secretory pathway pseudokinase; minus strand). Cytogenetic location: 17q24.2.
Variant type: single nucleotide variant.
Coding change: c.526C>G on transcript NM_017565.4 (MANE Select); coding-DNA position 526, C replaced by G.
Protein change: p.Arg176Gly; replaces arginine 176 with glycine.
Molecular consequence: missense variant. On other transcripts: non-coding transcript variant (1).
Genome position (GRCh38, 1-based): chr17:68,555,622, G>C on the plus strand (C>G on the coding strand, the complement: FAM20A is on the minus strand). VCF-style: chr17-68555622-G-C. GRCh37 (hg19) VCF-style: chr17-66551763-G-C.
Other names: c.112C>G, p.Arg38Gly (NM_001243746.2); short protein forms R176G, R38G.
Identifiers: ClinVar variation 952876 (VCV000952876.9), dbSNP rs149777674, ClinGen allele CA8730048.

ClinVar aggregate classification (germline): Uncertain significance. Review status: criteria provided, multiple submitters, no conflicts (2 of 4 stars). 3 submissions from 3 submitters: Uncertain significance (3). Last evaluated 2024-07-11.

Conditions:
Inborn genetic diseases. Identifiers: MedGen C0950123, MeSH D030342.

Allele frequency attached by ClinVar (database versions not stated): gnomAD 0.00009; 1000 Genomes Project 30x 0.00016; TOPMed 0.00017; 1000 Genomes Project 0.00020; ESP Exome Variant Server 0.00038.
gnomAD v4.1: 299 of 1,613,692 alleles (0.019%); highest among the groups gnomAD compares: Non-Finnish European, 0.024%; no homozygotes.

Submissions (3):

Blueprint Genetics
Classification: Uncertain significance. Last evaluated: 2024-07-11. Review status: criteria provided, single submitter. Criteria: ACMG Guidelines, 2015. Collection method: clinical testing. Allele origin: germline.

Labcorp Genetics (formerly Invitae), Labcorp
Classification: Uncertain significance. Last evaluated: 2023-03-21. Review status: criteria provided, single submitter. Criteria: Invitae Variant Classification Sherloc (09022015). Collection method: clinical testing. Allele origin: germline.
Comment: In summary, the available evidence is currently insufficient to determine the role of this variant in disease. Therefore, it has been classified as a Variant of Uncertain Significance. An algorithm developed to predict the effect of missense changes on protein structure and function (PolyPhen-2) suggests that this variant is likely to be disruptive. ClinVar contains an entry for this variant (Variation ID: 952876). This variant has not been reported in the literature in individuals affected with FAM20A-related conditions. This variant is present in population databases (rs149777674, gnomAD 0.03%). This sequence change replaces arginine, which is basic and polar, with glycine, which is neutral and non-polar, at codon 176 of the FAM20A protein (p.Arg176Gly).

Ambry Genetics
Classification: Uncertain significance for Inborn genetic diseases. Last evaluated: 2022-06-03. Review status: criteria provided, single submitter. Criteria: Ambry Variant Classification Scheme 2023. Collection method: clinical testing. Allele origin: germline.